The following is an entry in ClinVar:

ClinVar aggregate classification (germline): Uncertain significance. Review status: criteria provided, multiple submitters, no conflicts (2 of 4 stars). 2 submissions from 2 submitters: Uncertain significance (2). Last evaluated 2025-07-10.

Conditions:
Hereditary cancer-predisposing syndrome. Also called: Hereditary neoplastic syndrome; Hereditary Cancer Syndrome; Neoplastic Syndromes, Hereditary; Tumor predisposition. Identifiers: Orphanet 140162, MedGen C0027672, MeSH D009386, MONDO:0015356.
DICER1-related tumor predisposition. Also called: DICER1-related pleuropulmonary blastoma cancer predisposition syndrome; DICER1 syndrome. Identifiers: Orphanet 284343, MedGen C3839822, MONDO:0100216.

Allele frequency attached by ClinVar (database versions not stated): gnomAD exomes below 0.00001.
gnomAD v4.1: 2 of 1,614,168 alleles (0.00012%); highest among the groups gnomAD compares: African/African-American, 0.0013%; no homozygotes.

Submissions (2):

Labcorp Genetics (formerly Invitae), Labcorp
Classification: Uncertain significance for DICER1-related tumor predisposition. Last evaluated: 2025-07-10. Review status: criteria provided, single submitter. Criteria: Invitae Variant Classification Sherloc (09022015). Collection method: clinical testing. Allele origin: germline.
Comment: This sequence change replaces histidine, which is basic and polar, with tyrosine, which is neutral and polar, at codon 1134 of the DICER1 protein (p.His1134Tyr). This variant is not present in population databases (gnomAD no frequency). This variant has not been reported in the literature in individuals affected with DICER1-related conditions. ClinVar contains an entry for this variant (Variation ID: 1369054). Invitae Evidence Modeling of protein sequence and biophysical properties (such as structural, functional, and spatial information, amino acid conservation, physicochemical variation, residue mobility, and thermodynamic stability) indicates that this missense variant is not expected to disrupt DICER1 protein function with a negative predictive value of 95%. In summary, the available evidence is currently insufficient to determine the role of this variant in disease. Therefore, it has been classified as a Variant of Uncertain Significance.

Ambry Genetics
Classification: Uncertain significance for Hereditary cancer-predisposing syndrome. Last evaluated: 2022-11-04. Review status: criteria provided, single submitter. Criteria: Ambry Variant Classification Scheme 2023. Collection method: clinical testing. Allele origin: germline.
Comment: The p.H1134Y variant (also known as c.3400C>T), located in coding exon 20 of the DICER1 gene, results from a C to T substitution at nucleotide position 3400. The histidine at codon 1134 is replaced by tyrosine, an amino acid with similar properties. This amino acid position is conserved. In addition, this alteration is predicted to be tolerated by in silico analysis. Since supporting evidence is limited at this time, the clinical significance of this alteration remains unclear.

NM_177438.3(DICER1):c.3400C>T (p.His1134Tyr)

Gene: DICER1 (dicer 1, ribonuclease III; minus strand). Cytogenetic location: 14q32.13.
Variant type: single nucleotide variant.
Coding change: c.3400C>T on transcript NM_177438.3 (MANE Select); coding-DNA position 3400, C replaced by T.
Protein change: p.His1134Tyr; replaces histidine 1134 with tyrosine.
Molecular consequence: missense variant.
Genome position (GRCh38, 1-based): chr14:95,103,996, G>A on the plus strand (C>T on the coding strand, the complement: DICER1 is on the minus strand). VCF-style: chr14-95103996-G-A. GRCh37 (hg19) VCF-style: chr14-95570333-G-A.
Other names: c.3400C>T, p.His1134Tyr (NM_001195573.1, NM_001271282.3, NM_001291628.2 and 1 more transcripts); c.3400C>T (NM_177438.2); short protein forms H1134Y.
Identifiers: ClinVar variation 1369054 (VCV001369054.10), dbSNP rs1595367292, ClinGen allele CA390875596.